The following is an entry in ClinVar:

ClinVar aggregate classification (germline): Uncertain significance (1 of 4 stars; one submission).

Submission:

Labcorp Genetics (formerly Invitae), Labcorp
Classification: Uncertain significance. Last evaluated: 2024-10-15. Review status: criteria provided, single submitter. Criteria: Invitae Variant Classification Sherloc (09022015). Collection method: clinical testing. Allele origin: germline.
Comment: This sequence change creates a premature translational stop signal (p.Ser86*) in the LIPI gene. It is expected to result in an absent or disrupted protein product. However, the current clinical and genetic evidence is not sufficient to establish whether loss-of-function variants in LIPI cause disease. This variant is not present in population databases (gnomAD no frequency). This variant has not been reported in the literature in individuals affected with LIPI-related conditions. In summary, the available evidence is currently insufficient to determine the role of this variant in disease. Therefore, it has been classified as a Variant of Uncertain Significance.

NM_001302998.2(LIPI):c.194C>G (p.Ser65Ter)

Gene: LIPI (lipase I; minus strand). Cytogenetic location: 21q11.2.
Variant type: single nucleotide variant.
Coding change: c.194C>G on transcript NM_001302998.2 (MANE Select); coding-DNA position 194, C replaced by G.
Protein change: p.Ser65Ter; replaces serine 65 with a stop codon.
Molecular consequence: nonsense. On other transcripts: intron variant (1).
Genome position (GRCh38, 1-based): chr21:14,189,272, G>C on the plus strand (C>G on the coding strand, the complement: LIPI is on the minus strand). VCF-style: chr21-14189272-G-C. GRCh37 (hg19) VCF-style: chr21-15561593-G-C.
Other names: c.59C>G, p.Ser20Ter (NM_198996.4); c.47-7413C>G (NM_001379566.1); c.194C>G, p.Ser65Ter (NM_001302999.2, NM_001303000.2, NM_001303001.2 and 1 more transcripts); short protein forms S65*, S20*.
Identifiers: ClinVar variation 2698367 (VCV002698367.3), dbSNP rs2516495434, ClinGen allele CA409823961.